The following is an entry in ClinVar:

NM_002439.5(MSH3):c.2435+2T>G

Gene: MSH3 (mutS homolog 3; plus strand). Cytogenetic location: 5q14.1.
Variant type: single nucleotide variant.
Coding change: c.2435+2T>G on transcript NM_002439.5 (MANE Select); the canonical splice donor site of the intron after coding-DNA position 2435, T replaced by G.
Molecular consequence: splice donor variant.
Genome position (GRCh38, 1-based): chr5:80,778,838, T>G. VCF-style: chr5-80778838-T-G. GRCh37 (hg19) VCF-style: chr5-80074657-T-G.
Identifiers: ClinVar variation 1068165 (VCV001068165.7), dbSNP rs1580045730, ClinGen allele CA360281950.
Genomic context (GRCh38, chr5:80,778,838, plus strand): 5'-AATCAGCTCCGGGAGCAGCTAGTCCTTGACTGCAGTGCTGAATGGCTTGATTTTCTAGAG[T>G]GAGTTTACAATGAAAAAATATAATCTGACTTTTTGCTATCAGAAACAGACTGGAAAAATC-3'

ClinVar aggregate classification (germline): Likely pathogenic (1 of 4 stars; one submission).

Allele frequency attached by ClinVar (database versions not stated): gnomAD exomes below 0.00001.
gnomAD v4.1: 1 of 1,485,472 alleles (0.000067%); highest among the groups gnomAD compares: Non-Finnish European, 0.000094%; no homozygotes.

Submission:

Labcorp Genetics (formerly Invitae), Labcorp
Classification: Likely pathogenic. Last evaluated: 2024-04-15. Review status: criteria provided, single submitter. Criteria: Invitae Variant Classification Sherloc (09022015). Collection method: clinical testing. Allele origin: germline.
Comment: This sequence change affects a donor splice site in intron 17 of the MSH3 gene. It is expected to disrupt RNA splicing. Variants that disrupt the donor or acceptor splice site typically lead to a loss of protein function (PMID: 16199547), and loss-of-function variants in MSH3 are known to be pathogenic (PMID: 27476653, 37402566). This variant is not present in population databases (gnomAD no frequency). This variant has not been reported in the literature in individuals affected with MSH3-related conditions. ClinVar contains an entry for this variant (Variation ID: 1068165). Algorithms developed to predict the effect of sequence changes on RNA splicing suggest that this variant may disrupt the consensus splice site. In summary, the currently available evidence indicates that the variant is pathogenic, but additional data are needed to prove that conclusively. Therefore, this variant has been classified as Likely Pathogenic.

Literature cited by the submitters: PubMed 16199547; PubMed 27476653; PubMed 37402566.